The following is an entry in ClinVar:

NM_001367624.2(ZNF469):c.9344A>G (p.Tyr3115Cys)

Gene: ZNF469 (zinc finger protein 469; plus strand). Cytogenetic location: 16q24.2.
Variant type: single nucleotide variant.
Coding change: c.9344A>G on transcript NM_001367624.2 (MANE Select); coding-DNA position 9344, A replaced by G.
Protein change: p.Tyr3115Cys; replaces tyrosine 3115 with cysteine.
Molecular consequence: missense variant.
Genome position (GRCh38, 1-based): chr16:88,436,814, A>G. VCF-style: chr16-88436814-A-G. GRCh37 (hg19) VCF-style: chr16-88503222-A-G.
Other names: NM_001127464.1:c.9260A>G; short protein forms Y3115C.
Identifiers: ClinVar variation 1766378 (VCV001766378.2), dbSNP rs1385193985, ClinGen allele CA397121917.

ClinVar aggregate classification (germline): Uncertain significance (1 of 4 stars; one submission).

Conditions:
Cardiovascular phenotype. Identifiers: MedGen CN230736.

Allele frequency attached by ClinVar (database versions not stated): TOPMed below 0.00001; gnomAD exomes 0.00001.
gnomAD v4.1: 10 of 1,540,110 alleles (0.00065%); highest among the groups gnomAD compares: Non-Finnish European, 0.00087%; no homozygotes.

Submission:

Ambry Genetics
Classification: Uncertain significance for Cardiovascular phenotype. Last evaluated: 2024-02-09. Review status: criteria provided, single submitter. Criteria: Ambry Variant Classification Scheme 2023. Collection method: clinical testing. Allele origin: germline.
Comment: The p.Y3087C variant (also known as c.9260A>G), located in coding exon 2 of the ZNF469 gene, results from an A to G substitution at nucleotide position 9260. The tyrosine at codon 3087 is replaced by cysteine, an amino acid with highly dissimilar properties. This amino acid position is conserved. In addition, this alteration is predicted to be tolerated by in silico analysis. Since supporting evidence is limited at this time, the clinical significance of this alteration remains unclear.